The following is an entry in ClinVar:

ClinVar aggregate classification (germline): Uncertain significance (1 of 4 stars; one submission).

Allele frequency attached by ClinVar (database versions not stated): gnomAD 0.00005 and 0.00006.
gnomAD v4.1: 18 of 1,614,018 alleles (0.0011%); highest among the groups gnomAD compares: East Asian, 0.011%; no homozygotes.

Submission:

Labcorp Genetics (formerly Invitae), Labcorp
Classification: Uncertain significance. Last evaluated: 2024-02-17. Review status: criteria provided, single submitter. Criteria: Invitae Variant Classification Sherloc (09022015). Collection method: clinical testing. Allele origin: germline.
Comment: This sequence change falls in intron 6 of the JAM3 gene. It does not directly change the encoded amino acid sequence of the JAM3 protein. This variant is present in population databases (rs778582774, gnomAD 0.02%). This variant has not been reported in the literature in individuals affected with JAM3-related conditions. ClinVar contains an entry for this variant (Variation ID: 1403413). Algorithms developed to predict the effect of sequence changes on RNA splicing suggest that this variant may create or strengthen a splice site. In summary, the available evidence is currently insufficient to determine the role of this variant in disease. Therefore, it has been classified as a Variant of Uncertain Significance.

NM_032801.5(JAM3):c.713-20C>G

Gene: JAM3 (junctional adhesion molecule 3; plus strand). Cytogenetic location: 11q25.
Variant type: single nucleotide variant.
Coding change: c.713-20C>G on transcript NM_032801.5 (MANE Select); 20 bases into the intron before coding-DNA position 713, C replaced by G.
Molecular consequence: intron variant.
Genome position (GRCh38, 1-based): chr11:134,148,527, C>G. VCF-style: chr11-134148527-C-G. GRCh37 (hg19) VCF-style: chr11-134018422-C-G.
Other names: c.560-20C>G (NM_001205329.2).
Identifiers: ClinVar variation 1403413 (VCV001403413.6), dbSNP rs778582774, ClinGen allele CA6370176.